The following is an entry in ClinVar:

NM_001042492.3(NF1):c.889-17A>G

Gene: NF1 (neurofibromin 1; plus strand). Cytogenetic location: 17q11.2.
Variant type: single nucleotide variant.
Coding change: c.889-17A>G on transcript NM_001042492.3 (MANE Select); 17 bases into the intron before coding-DNA position 889, A replaced by G.
Molecular consequence: intron variant.
Genome position (GRCh38, 1-based): chr17:31,200,405, A>G. VCF-style: chr17-31200405-A-G. GRCh37 (hg19) VCF-style: chr17-29527423-A-G.
Other names: c.889-17A>G (NM_000267.4, NM_001128147.3).
Identifiers: ClinVar variation 1635149 (VCV001635149.12), dbSNP rs371265998, ClinGen allele CA8485658.
Genomic context (GRCh38, chr17:31,200,405, plus strand): 5'-ATTTGCTATAATATTAGCTACATCTGGAATAGAAGAAACTTCATATATTATCTTATCGCT[A>G]TATTTGAATTCTGTAGAAGTTATTTCTGGACAGTCTACGAAAAGCTCTTGCTGGCCATGG-3'

ClinVar aggregate classification (germline): Likely benign. Review status: criteria provided, multiple submitters, no conflicts (2 of 4 stars). 4 submissions from 4 submitters: Likely benign (3). 1 of the submissions does not count toward it. Last evaluated 2026-05-11.

Conditions:
NF1-related disorder. Also called: NF1-related condition. Identifiers: MedGen CN379171.
Neurofibromatosis, type 1 (NF1). Also called: NEUROFIBROMATOSIS, TYPE I, SOMATIC; VON RECKLINGHAUSEN DISEASE; Peripheral type neurofibromatosis; Neurofibromatosis, type I. Identifiers: Orphanet 636, MedGen C0027831, MONDO:0018975, OMIM 162200. Disease mechanism: loss of function.

Allele frequency attached by ClinVar (database versions not stated): gnomAD exomes 0.00002 and 0.00004; gnomAD 0.00004 and 0.00006; ExAC 0.00006; TOPMed 0.00006; ESP Exome Variant Server 0.00008; 1000 Genomes Project 30x 0.00016; 1000 Genomes Project 0.00020.
gnomAD v4.1: 43 of 1,612,982 alleles (0.0027%); highest among the groups gnomAD compares: African/African-American, 0.021%; 1 homozygote.

Submissions (4):

Myriad Genetics, Inc.
Classification: Likely benign for Neurofibromatosis, type 1. Last evaluated: 2026-05-11. Review status: criteria provided, single submitter. Criteria: Myriad Autosomal Dominant, Autosomal Recessive and X-Linked Classification Criteria (2023). Collection method: clinical testing. Allele origin: unknown.
Comment: This variant is considered likely benign. This variant is intronic and is not expected to impact mRNA splicing.

Labcorp Genetics (formerly Invitae), Labcorp
Classification: Likely benign for Neurofibromatosis, type 1. Last evaluated: 2026-01-06. Review status: criteria provided, single submitter. Criteria: Invitae Variant Classification Sherloc (09022015). Collection method: clinical testing. Allele origin: germline.

Blueprint Genetics
Classification: Likely benign. Last evaluated: 2024-02-27. Review status: criteria provided, single submitter. Criteria: ACMG Guidelines, 2015. Collection method: clinical testing. Allele origin: germline.

PreventionGenetics, part of Exact Sciences
Classification: Likely benign for NF1-related condition. Last evaluated: 2019-08-06. Review status: no assertion criteria provided. Collection method: clinical testing. Allele origin: germline. Not counted in ClinVar's aggregate classification.
Comment: This variant is classified as likely benign based on ACMG/AMP sequence variant interpretation guidelines (Richards et al. 2015 PMID: 25741868, with internal and published modifications).